The following is an entry in ClinVar:

ClinVar aggregate classification (germline): Uncertain significance (1 of 4 stars; one submission).

Allele frequency attached by ClinVar (database versions not stated): gnomAD 0.00001; TOPMed 0.00001.

Submission:

GeneDx
Classification: Uncertain significance. Last evaluated: 2022-01-06. Review status: criteria provided, single submitter. Criteria: GeneDx Variant Classification Process June 2021. Collection method: clinical testing. Allele origin: germline. Affected: yes.
Comment: Not observed at significant frequency in large population cohorts (gnomAD); In silico analysis supports that this missense variant does not alter protein structure/function; Has not been previously published as pathogenic or benign to our knowledge

NM_139058.3(ARX):c.767C>A (p.Ala256Asp)

Gene: ARX (aristaless related homeobox; minus strand). Cytogenetic location: Xp21.3.
Variant type: single nucleotide variant.
Coding change: c.767C>A on transcript NM_139058.3 (MANE Select); coding-DNA position 767, C replaced by A.
Protein change: p.Ala256Asp; replaces alanine 256 with aspartic acid.
Molecular consequence: missense variant.
Genome position (GRCh38, 1-based): chrX:25,013,228, G>T on the plus strand (C>A on the coding strand, the complement: ARX is on the minus strand). VCF-style: chrX-25013228-G-T. GRCh37 (hg19) VCF-style: chrX-25031345-G-T.
Other names: short protein forms A256D.
Identifiers: ClinVar variation 1695749 (VCV001695749.2), dbSNP rs1208675887, ClinGen allele CA412612465.